The following is an entry in ClinVar:

NM_001029896.2(WDR45):c.566A>G (p.Asn189Ser)

Gene: WDR45 (WD repeat domain 45; minus strand). Cytogenetic location: Xp11.23.
Variant type: single nucleotide variant.
Coding change: c.566A>G on transcript NM_001029896.2 (MANE Select); coding-DNA position 566, A replaced by G.
Protein change: p.Asn189Ser; replaces asparagine 189 with serine.
Molecular consequence: missense variant.
Genome position (GRCh38, 1-based): chrX:49,075,704, T>C on the plus strand (A>G on the coding strand, the complement: WDR45 is on the minus strand). VCF-style: chrX-49075704-T-C. GRCh37 (hg19) VCF-style: chrX-48933363-T-C.
Other names: c.569A>G, p.Asn190Ser (NM_007075.4); short protein forms N190S, N189S.
Identifiers: ClinVar variation 568990 (VCV000568990.25), dbSNP rs374078317, ClinGen allele CA10408492.

ClinVar aggregate classification (germline): Benign/Likely benign. Review status: criteria provided, multiple submitters, no conflicts (2 of 4 stars). 4 submissions from 4 submitters: Benign (1); Likely benign (3). Last evaluated 2025-10-28.

Conditions:
Inborn genetic diseases. Identifiers: MedGen C0950123, MeSH D030342.
Neurodegeneration with brain iron accumulation 5 (NBIA5). Also called: STATIC ENCEPHALOPATHY OF CHILDHOOD WITH NEURODEGENERATION IN ADULTHOOD; Beta-propeller protein-associated neurodegeneration. Identifiers: Orphanet 329284, MedGen C3550973, MONDO:0010476, OMIM 300894.

Allele frequency attached by ClinVar (database versions not stated): TOPMed 0.00009; gnomAD exomes 0.00011 and 0.00017; ExAC 0.00012; gnomAD 0.00015 and 0.00016; ESP Exome Variant Server 0.00019.
gnomAD v4.1: 205 of 1,208,659 alleles (0.017%); highest among the groups gnomAD compares: Non-Finnish European, 0.021%; no homozygotes.

Submissions (4):

Labcorp Genetics (formerly Invitae), Labcorp
Classification: Benign for Neurodegeneration with brain iron accumulation 5. Last evaluated: 2025-10-28. Review status: criteria provided, single submitter. Criteria: Invitae Variant Classification Sherloc (09022015). Collection method: clinical testing. Allele origin: germline.

CeGaT Center for Human Genetics Tuebingen
Classification: Likely benign. Last evaluated: 2025-09-01. Review status: criteria provided, single submitter. Criteria: CeGaT Center For Human Genetics Tuebingen Variant Classification Criteria Version 2. Collection method: clinical testing. Allele origin: germline. Affected: yes. Observed: 1 variant allele.
Comment: WDR45: BS2

Ambry Genetics
Classification: Likely benign for Inborn genetic diseases. Last evaluated: 2022-04-08. Review status: criteria provided, single submitter. Criteria: Ambry Variant Classification Scheme 2023. Collection method: clinical testing. Allele origin: germline.

GeneDx
Classification: Likely benign. Last evaluated: 2021-07-23. Review status: criteria provided, single submitter. Criteria: GeneDx Variant Classification Process June 2021. Collection method: clinical testing. Allele origin: germline. Affected: yes.